The following is an entry in ClinVar:

NM_004310.5(RHOH):c.-1G>A

Gene: RHOH (ras homolog family member H; plus strand). Cytogenetic location: 4p14.
Variant type: single nucleotide variant.
Coding change: c.-1G>A on transcript NM_004310.5 (MANE Select); 1 bases upstream of the start codon, G replaced by A.
Molecular consequence: 5 prime UTR variant.
Genome position (GRCh38, 1-based): chr4:40,243,386, G>A. VCF-style: chr4-40243386-G-A. GRCh37 (hg19) VCF-style: chr4-40245006-G-A.
Other names: c.-1G>A (NM_001278359.2, NM_001278360.2, NM_001278361.2 and 8 more transcripts).
Identifiers: ClinVar variation 3058522 (VCV003058522.3), dbSNP rs146170789, ClinGen allele CA2897704.

ClinVar aggregate classification (germline): Likely benign. Review status: criteria provided, single submitter (1 of 4 stars). 2 submissions from 2 submitters: Likely benign (1). 1 of the submissions does not count toward it. Last evaluated 2024-01-23.

Conditions:
RHOH-related disorder. Also called: RHOH-related condition.

Allele frequency attached by ClinVar (database versions not stated): ExAC 0.00020; 1000 Genomes Project 30x 0.00078; ESP Exome Variant Server 0.00092; 1000 Genomes Project 0.00100; gnomAD 0.00105; TOPMed 0.00107.
gnomAD v4.1: 273 of 1,576,406 alleles (0.017%); highest among the groups gnomAD compares: African/African-American, 0.32%; 2 homozygotes.

Submissions (2):

Blueprint Genetics
Classification: Likely benign. Last evaluated: 2024-01-23. Review status: criteria provided, single submitter. Criteria: ACMG Guidelines, 2015. Collection method: clinical testing. Allele origin: germline.

PreventionGenetics, part of Exact Sciences
Classification: Likely benign for RHOH-related condition. Last evaluated: 2019-04-12. Review status: no assertion criteria provided. Collection method: clinical testing. Allele origin: germline. Not counted in ClinVar's aggregate classification.
Comment: This variant is classified as likely benign based on ACMG/AMP sequence variant interpretation guidelines (Richards et al. 2015 PMID: 25741868, with internal and published modifications).